The following is an entry in ClinVar:

ClinVar aggregate classification (germline): Uncertain significance (1 of 4 stars; one submission).

Submission:

Labcorp Genetics (formerly Invitae), Labcorp
Classification: Uncertain significance. Last evaluated: 2025-06-05. Review status: criteria provided, single submitter. Criteria: Invitae Variant Classification Sherloc (09022015). Collection method: clinical testing. Allele origin: germline.
Comment: This sequence change replaces proline, which is neutral and non-polar, with leucine, which is neutral and non-polar, at codon 373 of the CFB protein (p.Pro373Leu). This variant is not present in population databases (gnomAD no frequency). This variant has not been reported in the literature in individuals affected with CFB-related conditions. Invitae Evidence Modeling of protein sequence and biophysical properties (such as structural, functional, and spatial information, amino acid conservation, physicochemical variation, residue mobility, and thermodynamic stability) indicates that this missense variant is not expected to disrupt CFB protein function with a negative predictive value of 80%. In summary, the available evidence is currently insufficient to determine the role of this variant in disease. Therefore, it has been classified as a Variant of Uncertain Significance.

NM_001710.6(CFB):c.1118C>T (p.Pro373Leu)

Gene: CFB (complement factor B; plus strand). Cytogenetic location: 6p21.33.
Variant type: single nucleotide variant.
Coding change: c.1118C>T on transcript NM_001710.6 (MANE Select); coding-DNA position 1118, C replaced by T.
Protein change: p.Pro373Leu; replaces proline 373 with leucine.
Molecular consequence: missense variant.
Genome position (GRCh38, 1-based): chr6:31,948,911, C>T. VCF-style: chr6-31948911-C-T. GRCh37 (hg19) VCF-style: chr6-31916688-C-T.
Other names: short protein forms P373L.
Identifiers: ClinVar variation 4812105 (VCV004812105.1).